The following is an entry in ClinVar:

ClinVar aggregate classification (germline): Uncertain significance. Review status: criteria provided, multiple submitters, no conflicts (2 of 4 stars). 4 submissions from 4 submitters: Uncertain significance (4). Last evaluated 2025-03-13.

Allele frequency attached by ClinVar (database versions not stated): gnomAD exomes 0.00001; ExAC 0.00002; gnomAD 0.00003 and 0.00004; TOPMed 0.00004.
gnomAD v4.1: 18 of 1,613,720 alleles (0.0011%); highest among the groups gnomAD compares: Middle Eastern, 0.016%; no homozygotes.

Submissions (4):

Ambry Genetics
Classification: Uncertain significance. Last evaluated: 2025-03-13. Review status: criteria provided, single submitter. Criteria: Ambry Variant Classification Scheme 2023. Collection method: clinical testing. Allele origin: germline.
Comment: The p.P217L variant (also known as c.650C>T), located in coding exon 7 of the A2ML1 gene, results from a C to T substitution at nucleotide position 650. The proline at codon 217 is replaced by leucine, an amino acid with similar properties. This amino acid position is conserved. In addition, the in silico prediction for this alteration is inconclusive. Based on the available evidence, the clinical significance of this variant remains unclear.

Labcorp Genetics (formerly Invitae), Labcorp
Classification: Uncertain significance. Last evaluated: 2024-12-10. Review status: criteria provided, single submitter. Criteria: Invitae Variant Classification Sherloc (09022015). Collection method: clinical testing. Allele origin: germline.
Comment: This sequence change replaces proline, which is neutral and non-polar, with leucine, which is neutral and non-polar, at codon 217 of the A2ML1 protein (p.Pro217Leu). This variant is present in population databases (rs773797927, gnomAD 0.003%). This variant has not been reported in the literature in individuals affected with A2ML1-related conditions. ClinVar contains an entry for this variant (Variation ID: 561682). An algorithm developed to predict the effect of missense changes on protein structure and function (PolyPhen-2) suggests that this variant is likely to be tolerated. In summary, the available evidence is currently insufficient to determine the role of this variant in disease. Therefore, it has been classified as a Variant of Uncertain Significance.

Revvity Omics, Revvity
Classification: Uncertain significance. Last evaluated: 2021-10-06. Review status: criteria provided, single submitter. Criteria: ACMG Guidelines, 2015. Collection method: clinical testing. Allele origin: germline.

GeneDx
Classification: Uncertain significance. Last evaluated: 2018-01-04. Review status: criteria provided, single submitter. Criteria: GeneDx Variant Classification (06012015). Collection method: clinical testing. Allele origin: germline. Affected: yes.
Comment: The P217L variant has not been published as a pathogenic variant, nor has it been reported as a benign variant to our knowledge. The variant is not observed in large population cohorts (Lek et al., 2016; 1000 Genomes Consortium et al., 2015; Exome Variant Server). P217L is a semi-conservative amino acid substitution, which may impact secondary protein structure as these residues differ in some properties. This substitution occurs at a position that is not conserved. However, in silico analysis predicts this variant is probably damaging to the protein structure/function. In summary, based on the currently available information, it is unclear whether this variant is a pathogenic variant or a rare benign variant.

NM_144670.6(A2ML1):c.650C>T (p.Pro217Leu)

Gene: A2ML1 (alpha-2-macroglobulin like 1; plus strand). Cytogenetic location: 12p13.31.
Variant type: single nucleotide variant.
Coding change: c.650C>T on transcript NM_144670.6 (MANE Select); coding-DNA position 650, C replaced by T.
Protein change: p.Pro217Leu; replaces proline 217 with leucine.
Molecular consequence: missense variant.
Genome position (GRCh38, 1-based): chr12:8,836,261, C>T. VCF-style: chr12-8836261-C-T. GRCh37 (hg19) VCF-style: chr12-8988857-C-T.
Other names: c.650C>T (NM_144670.3); short protein forms P217L.
Identifiers: ClinVar variation 561682 (VCV000561682.8), dbSNP rs773797927, ClinGen allele CA6435385.